The following is an entry in ClinVar:

ClinVar aggregate classification (germline): Uncertain significance (1 of 4 stars; one submission).

Conditions:
Inborn genetic diseases. Identifiers: MedGen C0950123, MeSH D030342.

Submission:

Ambry Genetics
Classification: Uncertain significance for Inborn genetic diseases. Last evaluated: 2019-09-17. Review status: criteria provided, single submitter. Criteria: Ambry Variant Classification Scheme 2023. Collection method: clinical testing. Allele origin: germline.
Comment: The p.P590H variant (also known as c.1769C>A), located in coding exon 19 of the FANCA gene, results from a C to A substitution at nucleotide position 1769. The proline at codon 590 is replaced by histidine, an amino acid with similar properties. This amino acid position is highly conserved in available vertebrate species. In addition, this alteration is predicted to be deleterious by in silico analysis. Since supporting evidence is limited at this time, the clinical significance of this alteration remains unclear.

NM_000135.4(FANCA):c.1769C>A (p.Pro590His)

Gene: FANCA (FA complementation group A; minus strand). Cytogenetic location: 16q24.3.
Variant type: single nucleotide variant.
Coding change: c.1769C>A on transcript NM_000135.4 (MANE Select); coding-DNA position 1769, C replaced by A.
Protein change: p.Pro590His; replaces proline 590 with histidine.
Molecular consequence: missense variant.
Genome position (GRCh38, 1-based): chr16:89,778,950, G>T on the plus strand (C>A on the coding strand, the complement: FANCA is on the minus strand). VCF-style: chr16-89778950-G-T. GRCh37 (hg19) VCF-style: chr16-89845358-G-T.
Other names: c.1769C>A, p.Pro590His (NM_001286167.3); short protein forms P590H.
Identifiers: ClinVar variation 1779731 (VCV001779731.2), dbSNP rs757637315, ClinGen allele CA397454735.
Genomic context (GRCh38, chr16:89,778,950, plus strand): 5'-AAGTCCTTGCTTTCTACACAACTGGTCACAAACTCATGGAGACGCATACTGACCACTCGA[G>T]GTGTGAGCAGGGCGGGGAGGAAGTGGGACACGTAGTAAGGCCTCCTGAATATGCTGCAAC-3'
Protein context (NP_000126.2, residues 580-600): VSHFLPALLT[Pro590His]RVLPKVPDSR